The following is an entry in ClinVar:

NM_014285.7(EXOSC2):c.755A>C (p.Tyr252Ser)

Gene: EXOSC2 (exosome component 2; plus strand). Cytogenetic location: 9q34.12.
Variant type: single nucleotide variant.
Coding change: c.755A>C on transcript NM_014285.7 (MANE Select); coding-DNA position 755, A replaced by C.
Protein change: p.Tyr252Ser; replaces tyrosine 252 with serine.
Molecular consequence: missense variant. On other transcripts: non-coding transcript variant (1).
Genome position (GRCh38, 1-based): chr9:130,703,135, A>C. VCF-style: chr9-130703135-A-C. GRCh37 (hg19) VCF-style: chr9-133578522-A-C.
Other names: c.677A>C, p.Tyr226Ser (NM_001282708.1); c.665A>C, p.Tyr222Ser (NM_001282709.1); short protein forms Y222S, Y226S, Y252S.
Identifiers: ClinVar variation 1006751 (VCV001006751.8), dbSNP rs1205444391, ClinGen allele CA375248346.

ClinVar aggregate classification (germline): Uncertain significance (1 of 4 stars; one submission).

Submission:

Labcorp Genetics (formerly Invitae), Labcorp
Classification: Uncertain significance. Last evaluated: 2020-07-03. Review status: criteria provided, single submitter. Criteria: Invitae Variant Classification Sherloc (09022015). Collection method: clinical testing. Allele origin: germline.
Comment: This sequence change replaces tyrosine with serine at codon 252 of the EXOSC2 protein (p.Tyr252Ser). The tyrosine residue is moderately conserved and there is a large physicochemical difference between tyrosine and serine. This variant is not present in population databases (ExAC no frequency). This variant has not been reported in the literature in individuals with EXOSC2-related conditions. Algorithms developed to predict the effect of missense changes on protein structure and function are either unavailable or do not agree on the potential impact of this missense change (SIFT: "Deleterious"; PolyPhen-2: "Benign"; Align-GVGD: "Class C55"). In summary, the available evidence is currently insufficient to determine the role of this variant in disease. Therefore, it has been classified as a Variant of Uncertain Significance.